The following is an entry in ClinVar:

NM_000245.4(MET):c.1956C>G (p.Phe652Leu)

Gene: MET (MET proto-oncogene, receptor tyrosine kinase; plus strand). Cytogenetic location: 7q31.2.
Variant type: single nucleotide variant.
Coding change: c.1956C>G on transcript NM_000245.4 (MANE Select); coding-DNA position 1956, C replaced by G.
Protein change: p.Phe652Leu; replaces phenylalanine 652 with leucine.
Molecular consequence: missense variant.
Genome position (GRCh38, 1-based): chr7:116,757,530, C>G. VCF-style: chr7-116757530-C-G. GRCh37 (hg19) VCF-style: chr7-116397584-C-G.
Other names: c.1956C>G, p.Phe652Leu (NM_001127500.3, NM_001324401.3); c.666C>G, p.Phe222Leu (NM_001324402.2); short protein forms F222L, F652L.
Identifiers: ClinVar variation 1783308 (VCV001783308.4), dbSNP rs756154521, ClinGen allele CA368979516.
Genomic context (GRCh38, chr7:116,757,530, plus strand): 5'-GCATTTCAATATGTCCATAATTATTTCAAATGGCCACGGGACAACACAATACAGTACATT[C>G]TCCTATGTGGTAAGGAAGATTCTATCCTATCATGTTTGATTTTTACTTAATCTATTTAAA-3'
Protein context (NP_000236.2, residues 642-662): NGHGTTQYST[Phe652Leu]SYVDPVITSI

ClinVar aggregate classification (germline): Uncertain significance. Review status: criteria provided, multiple submitters, no conflicts (2 of 4 stars). 2 submissions from 2 submitters: Uncertain significance (2). Last evaluated 2025-04-21.

Conditions:
Hereditary cancer-predisposing syndrome. Also called: Neoplastic Syndromes, Hereditary; Tumor predisposition; Hereditary Cancer Syndrome; Hereditary neoplastic syndrome. Identifiers: Orphanet 140162, MedGen C0027672, MeSH D009386, MONDO:0015356.
Renal cell carcinoma. Identifiers: Orphanet 217071, MedGen C0007134, MeSH D002292, MONDO:0005086, HP:0005584.

Submissions (2):

Labcorp Genetics (formerly Invitae), Labcorp
Classification: Uncertain significance for Renal cell carcinoma. Last evaluated: 2025-04-21. Review status: criteria provided, single submitter. Criteria: Invitae Variant Classification Sherloc (09022015). Collection method: clinical testing. Allele origin: germline.
Comment: This sequence change replaces phenylalanine, which is neutral and non-polar, with leucine, which is neutral and non-polar, at codon 652 of the MET protein (p.Phe652Leu). This variant is not present in population databases (gnomAD no frequency). This variant has not been reported in the literature in individuals affected with MET-related conditions. ClinVar contains an entry for this variant (Variation ID: 1783308). Invitae Evidence Modeling of protein sequence and biophysical properties (such as structural, functional, and spatial information, amino acid conservation, physicochemical variation, residue mobility, and thermodynamic stability) indicates that this missense variant is not expected to disrupt MET protein function with a negative predictive value of 80%. In summary, the available evidence is currently insufficient to determine the role of this variant in disease. Therefore, it has been classified as a Variant of Uncertain Significance.

Ambry Genetics
Classification: Uncertain significance for Hereditary cancer-predisposing syndrome. Last evaluated: 2022-02-12. Review status: criteria provided, single submitter. Criteria: Ambry Variant Classification Scheme 2023. Collection method: clinical testing. Allele origin: germline.
Comment: The p.F652L variant (also known as c.1956C>G), located in coding exon 6 of the MET gene, results from a C to G substitution at nucleotide position 1956. The phenylalanine at codon 652 is replaced by leucine, an amino acid with highly similar properties. This amino acid position is conserved. In addition, the in silico prediction for this alteration is inconclusive. Since supporting evidence is limited at this time, the clinical significance of this alteration remains unclear.